The following is an entry in ClinVar:

NM_001353921.2(ARHGEF9):c.1294A>G (p.Lys432Glu)

Gene: ARHGEF9 (Cdc42 guanine nucleotide exchange factor 9; minus strand). Cytogenetic location: Xq11.1.
Variant type: single nucleotide variant.
Coding change: c.1294A>G on transcript NM_001353921.2 (MANE Select); coding-DNA position 1294, A replaced by G.
Protein change: p.Lys432Glu; replaces lysine 432 with glutamic acid.
Molecular consequence: missense variant. On other transcripts: intron variant (2).
Genome position (GRCh38, 1-based): chrX:63,655,521, T>C on the plus strand (A>G on the coding strand, the complement: ARHGEF9 is on the minus strand). VCF-style: chrX-63655521-T-C. GRCh37 (hg19) VCF-style: chrX-62875401-T-C.
Other names: c.1114A>G, p.Lys372Glu (NM_001173479.2); c.967A>G, p.Lys323Glu (NM_001173480.2, NM_001369042.1); c.1210A>G, p.Lys404Glu (NM_001330495.2, NM_001369033.1, NM_001369034.1 and 4 more transcripts); c.1162A>G, p.Lys388Glu (NM_001353922.2); c.1312A>G, p.Lys438Glu (NM_001353923.1); c.1093A>G, p.Lys365Glu (NM_001353924.2, NM_001353926.2, NM_001369039.1 and 1 more transcripts); c.1078A>G, p.Lys360Glu (NM_001353927.2, NM_001369041.1); c.1141A>G, p.Lys381Glu (NM_001353928.2); and 3 more; short protein forms K425E, K323E, K360E, K365E, K388E, K404E, K438E, K243E.
Identifiers: ClinVar variation 570360 (VCV000570360.5), dbSNP rs1569441733, ClinGen allele CA413404049.
Genomic context (GRCh38, chrX:63,655,521, plus strand): 5'-CCATGTTCTTCTTTCTACTCTCAGGTCACTTACCAATTTTTTCATCTTCCTGTACCATTT[T>C]CCTCTCTTCTCTGAAAGCCCTGAGCCAGCGTATTTTTTCCTCCAGCTTCTTGGCAAAGAA-3'
Protein context (NP_001340850.1, residues 422-442): RWLRAFREER[Lys432Glu]MVQEDEKIGF

ClinVar aggregate classification (germline): Uncertain significance. Review status: criteria provided, multiple submitters, no conflicts (2 of 4 stars). 2 submissions from 2 submitters: Uncertain significance (2). Last evaluated 2026-02-21.

Conditions:
Developmental and epileptic encephalopathy, 8 (DEE8). Also called: HYPEREKPLEXIA AND EPILEPSY. Identifiers: Orphanet 163985, Orphanet 2076, MedGen C1845102, MONDO:0010375, OMIM 300607.

Submissions (2):

GeneDx
Classification: Uncertain significance. Last evaluated: 2026-02-21. Review status: criteria provided, single submitter. Criteria: GeneDx Variant Classification Process June 2021. Collection method: clinical testing. Allele origin: germline.
Comment: Not observed at significant frequency in large population cohorts (gnomAD); In silico analysis suggests that this missense variant does not alter protein structure/function; Has not been previously published as pathogenic or benign to our knowledge

Labcorp Genetics (formerly Invitae), Labcorp
Classification: Uncertain significance for Developmental and epileptic encephalopathy, 8. Last evaluated: 2021-09-01. Review status: criteria provided, single submitter. Criteria: Invitae Variant Classification Sherloc (09022015). Collection method: clinical testing. Allele origin: germline.